The following is an entry in ClinVar:

ClinVar aggregate classification (germline): Uncertain significance. Review status: criteria provided, multiple submitters, no conflicts (2 of 4 stars). 2 submissions from 2 submitters: Uncertain significance (2). Last evaluated 2023-03-22.

Conditions:
Inborn genetic diseases. Identifiers: MedGen C0950123, MeSH D030342.
CEP135-related disorder. Also called: CEP135-related condition.

Allele frequency attached by ClinVar (database versions not stated): gnomAD 0.00001; TOPMed 0.00002; ExAC 0.00003; gnomAD exomes 0.00007.
gnomAD v4.1: 93 of 1,585,508 alleles (0.0059%); highest among the groups gnomAD compares: Non-Finnish European, 0.0078%; no homozygotes.

Submissions (2):

PreventionGenetics, part of Exact Sciences
Classification: Uncertain significance for CEP135-related condition. Last evaluated: 2023-03-22. Review status: criteria provided, single submitter. Criteria: ACMG Guidelines, 2015. Collection method: clinical testing. Allele origin: germline.
Comment: The CEP135 c.2276A>C variant is predicted to result in the amino acid substitution p.Asn759Thr. To our knowledge, this variant has not been reported in the literature. This variant is reported in 0.0066% of alleles in individuals of European (Non-Finnish) descent in gnomAD. At this time, the clinical significance of this variant is uncertain due to the absence of conclusive functional and genetic evidence.

Ambry Genetics
Classification: Uncertain significance for Inborn genetic diseases. Last evaluated: 2021-09-02. Review status: criteria provided, single submitter. Criteria: Ambry Variant Classification Scheme 2023. Collection method: clinical testing. Allele origin: germline.

NM_025009.5(CEP135):c.2276A>C (p.Asn759Thr)

Gene: CEP135 (centrosomal protein 135; plus strand). Cytogenetic location: 4q12.
Variant type: single nucleotide variant.
Coding change: c.2276A>C on transcript NM_025009.5 (MANE Select); coding-DNA position 2276, A replaced by C.
Protein change: p.Asn759Thr; replaces asparagine 759 with threonine.
Molecular consequence: missense variant.
Genome position (GRCh38, 1-based): chr4:55,999,641, A>C. VCF-style: chr4-55999641-A-C. GRCh37 (hg19) VCF-style: chr4-56865807-A-C.
Other names: c.2276A>C (NM_025009.4); short protein forms N759T.
Identifiers: ClinVar variation 2208267 (VCV002208267.3), dbSNP rs759324069, ClinGen allele CA2928083.
Genomic context (GRCh38, chr4:55,999,641, plus strand): 5'-TCCAGGAGACTGTAGATGAGAAGACAGAAAAGATTGCAAATTTGCAAGAAAACCTAGCTA[A>C]TAAAGTATGTGATCGTTTAATGTAATTTTCCAGCATCCAAACAGAACAGTTTTTTTTGTT-3'
Protein context (NP_079285.2, residues 749-769): KIANLQENLA[Asn759Thr]KEKAVAQMKI